The following is an entry in ClinVar:

ClinVar aggregate classification (germline): Uncertain significance (1 of 4 stars; one submission).

Conditions:
DICER1-related tumor predisposition. Also called: DICER1 syndrome; DICER1-related pleuropulmonary blastoma cancer predisposition syndrome. Identifiers: Orphanet 284343, MedGen C3839822, MONDO:0100216.

Allele frequency attached by ClinVar (database versions not stated): gnomAD exomes below 0.00001.
gnomAD v4.1: 1 of 1,614,014 alleles (0.000062%); highest among the groups gnomAD compares: Non-Finnish European, 0.000085%; no homozygotes.

Submission:

Labcorp Genetics (formerly Invitae), Labcorp
Classification: Uncertain significance for DICER1-related tumor predisposition. Last evaluated: 2020-02-28. Review status: criteria provided, single submitter. Criteria: Invitae Variant Classification Sherloc (09022015). Collection method: clinical testing. Allele origin: germline.
Comment: In summary, the available evidence is currently insufficient to determine the role of this variant in disease. Therefore, it has been classified as a Variant of Uncertain Significance. Algorithms developed to predict the effect of missense changes on protein structure and function (SIFT, PolyPhen-2, Align-GVGD) all suggest that this variant is likely to be disruptive, but these predictions have not been confirmed by published functional studies and their clinical significance is uncertain. This variant has not been reported in the literature in individuals with DICER1-related conditions. This variant is not present in population databases (ExAC no frequency). This sequence change replaces isoleucine with threonine at codon 1673 of the DICER1 protein (p.Ile1673Thr). The isoleucine residue is highly conserved and there is a moderate physicochemical difference between isoleucine and threonine.

NM_177438.3(DICER1):c.5018T>C (p.Ile1673Thr)

Gene: DICER1 (dicer 1, ribonuclease III; minus strand). Cytogenetic location: 14q32.13.
Variant type: single nucleotide variant.
Coding change: c.5018T>C on transcript NM_177438.3 (MANE Select); coding-DNA position 5018, T replaced by C.
Protein change: p.Ile1673Thr; replaces isoleucine 1673 with threonine.
Molecular consequence: missense variant.
Genome position (GRCh38, 1-based): chr14:95,095,902, A>G on the plus strand (T>C on the coding strand, the complement: DICER1 is on the minus strand). VCF-style: chr14-95095902-A-G. GRCh37 (hg19) VCF-style: chr14-95562239-A-G.
Other names: c.5018T>C, p.Ile1673Thr (NM_001195573.1, NM_001271282.3, NM_001291628.2 and 1 more transcripts); short protein forms I1673T.
Identifiers: ClinVar variation 1036938 (VCV001036938.10), dbSNP rs1890266460, ClinGen allele CA390866086.